The following is an entry in ClinVar:

ClinVar aggregate classification (germline): Likely benign. Review status: criteria provided, single submitter (1 of 4 stars). 2 submissions from 2 submitters: Likely benign (1). 1 of the submissions does not count toward it. Last evaluated 2022-11-01.

Conditions:
PTPRD-related disorder. Also called: PTPRD-related condition.

Allele frequency attached by ClinVar (database versions not stated): 1000 Genomes Project 30x 0.00016; 1000 Genomes Project 0.00020; TOPMed 0.00050; ESP Exome Variant Server 0.00054.
gnomAD v4.1: 1,148 of 1,614,126 alleles (0.071%); highest among the groups gnomAD compares: Middle Eastern, 0.43%; 4 homozygotes.

Submissions (2):

CeGaT Center for Human Genetics Tuebingen
Classification: Likely benign. Last evaluated: 2022-11-01. Review status: criteria provided, single submitter. Criteria: CeGaT Center For Human Genetics Tuebingen Variant Classification Criteria Version 2. Collection method: clinical testing. Allele origin: germline. Affected: yes. Observed: 1 variant allele.
Comment: PTPRD: BP4, BP7

PreventionGenetics, part of Exact Sciences
Classification: Likely benign for PTPRD-related condition. Last evaluated: 2019-03-01. Review status: no assertion criteria provided. Collection method: clinical testing. Allele origin: germline. Not counted in ClinVar's aggregate classification.
Comment: This variant is classified as likely benign based on ACMG/AMP sequence variant interpretation guidelines (Richards et al. 2015 PMID: 25741868, with internal and published modifications).

NM_002839.4(PTPRD):c.1293G>T (p.Ser431=)

Gene: PTPRD (protein tyrosine phosphatase receptor type D; minus strand). Cytogenetic location: 9p24.1.
Variant type: single nucleotide variant.
Coding change: c.1293G>T on transcript NM_002839.4 (MANE Select); coding-DNA position 1293, G replaced by T.
Protein change: p.Ser431=; no amino-acid change (serine 431 retained).
Molecular consequence: synonymous variant.
Genome position (GRCh38, 1-based): chr9:8,518,098, C>A on the plus strand (G>T on the coding strand, the complement: PTPRD is on the minus strand). VCF-style: chr9-8518098-C-A. GRCh37 (hg19) VCF-style: chr9-8518098-C-A.
Other names: c.1284G>T, p.Ser428= (NM_001040712.2, NM_001377947.1); c.1263G>T, p.Ser421= (NM_001171025.2); c.1275G>T, p.Ser425= (NM_001377946.1, NM_130393.3); c.1293G>T, p.Ser431= (NM_001377958.1, NM_001378058.1, NM_130391.4 and 1 more transcripts); c.1293G>T (NM_002839.3).
Identifiers: ClinVar variation 2659067 (VCV002659067.25), dbSNP rs145325302, ClinGen allele CA4984552.